The following is an entry in ClinVar:

ClinVar aggregate classification (germline): Uncertain significance (1 of 4 stars; one submission).

Conditions:
Catecholaminergic polymorphic ventricular tachycardia 1. Also called: VENTRICULAR TACHYCARDIA, CATECHOLAMINERGIC POLYMORPHIC, 1, WITH OR WITHOUT ATRIAL DYSFUNCTION AND/OR DILATED CARDIOMYOPATHY; RYR2-Related Catecholaminergic Polymorphic Ventricular Tachycardia; VENTRICULAR TACHYCARDIA, STRESS-INDUCED POLYMORPHIC 1. Identifiers: Orphanet 3286, MedGen C1631597, MONDO:0011484, OMIM 604772.

Submission:

Labcorp Genetics (formerly Invitae), Labcorp
Classification: Uncertain significance for Catecholaminergic polymorphic ventricular tachycardia 1. Last evaluated: 2024-09-21. Review status: criteria provided, single submitter. Criteria: Invitae Variant Classification Sherloc (09022015). Collection method: clinical testing. Allele origin: germline.
Comment: This sequence change replaces leucine, which is neutral and non-polar, with proline, which is neutral and non-polar, at codon 3781 of the RYR2 protein (p.Leu3781Pro). This variant is not present in population databases (gnomAD no frequency). This variant has not been reported in the literature in individuals affected with RYR2-related conditions. Invitae Evidence Modeling of protein sequence and biophysical properties (such as structural, functional, and spatial information, amino acid conservation, physicochemical variation, residue mobility, and thermodynamic stability) indicates that this missense variant is expected to disrupt RYR2 protein function with a positive predictive value of 95%. In summary, the available evidence is currently insufficient to determine the role of this variant in disease. Therefore, it has been classified as a Variant of Uncertain Significance.

NM_001035.3(RYR2):c.11342T>C (p.Leu3781Pro)

Gene: RYR2 (ryanodine receptor 2; plus strand). Cytogenetic location: 1q43.
Variant type: single nucleotide variant.
Coding change: c.11342T>C on transcript NM_001035.3 (MANE Select); coding-DNA position 11342, T replaced by C.
Protein change: p.Leu3781Pro; replaces leucine 3781 with proline.
Molecular consequence: missense variant.
Genome position (GRCh38, 1-based): chr1:237,759,792, T>C. VCF-style: chr1-237759792-T-C. GRCh37 (hg19) VCF-style: chr1-237923092-T-C.
Other names: short protein forms L3781P.
Identifiers: ClinVar variation 3633829 (VCV003633829.2).